The following is an entry in ClinVar:

NM_001282225.2(ADA2):c.1439T>C (p.Ile480Thr)

Gene: ADA2 (adenosine deaminase 2; minus strand). Cytogenetic location: 22q11.1.
Variant type: single nucleotide variant.
Coding change: c.1439T>C on transcript NM_001282225.2 (MANE Select); coding-DNA position 1439, T replaced by C.
Protein change: p.Ile480Thr; replaces isoleucine 480 with threonine.
Molecular consequence: missense variant.
Genome position (GRCh38, 1-based): chr22:17,181,823, A>G on the plus strand (T>C on the coding strand, the complement: ADA2 is on the minus strand). VCF-style: chr22-17181823-A-G. GRCh37 (hg19) VCF-style: chr22-17662713-A-G.
Other names: c.1439T>C, p.Ile480Thr (NM_001282226.2); c.1313T>C, p.Ile438Thr (NM_001282227.2, NM_001282228.2); c.1079T>C, p.Ile360Thr (NM_001282229.2); c.716T>C, p.Ile239Thr (NM_177405.3); short protein forms I239T, I360T, I438T, I480T.
Identifiers: ClinVar variation 1061719 (VCV001061719.9), dbSNP rs1388757088, ClinGen allele CA410231611.

ClinVar aggregate classification (germline): Uncertain significance (1 of 4 stars; one submission).

Conditions:
Deficiency of adenosine deaminase 2. Also called: Polyarteritis nodosa, childhoood-onset; Adenosine Deaminase 2 Deficiency; VASCULITIS, AUTOINFLAMMATION, IMMUNODEFICIENCY, AND HEMATOLOGIC DEFECTS SYNDROME. Identifiers: Orphanet 404553, MedGen C3887654, MONDO:0014306, OMIM 615688, MONDO:0100317.

Allele frequency attached by ClinVar (database versions not stated): gnomAD exomes below 0.00001; gnomAD 0.00001.
gnomAD v4.1: 4 of 1,612,872 alleles (0.00025%); highest among the groups gnomAD compares: Non-Finnish European, 0.00034%; no homozygotes.

Submission:

Labcorp Genetics (formerly Invitae), Labcorp
Classification: Uncertain significance for Deficiency of adenosine deaminase 2. Last evaluated: 2024-12-29. Review status: criteria provided, single submitter. Criteria: Invitae Variant Classification Sherloc (09022015). Collection method: clinical testing. Allele origin: germline.
Comment: This sequence change replaces isoleucine, which is neutral and non-polar, with threonine, which is neutral and polar, at codon 480 of the ADA2 protein (p.Ile480Thr). This variant is present in population databases (no rsID available, gnomAD 0.007%). This variant has not been reported in the literature in individuals affected with ADA2-related conditions. ClinVar contains an entry for this variant (Variation ID: 1061719). Invitae Evidence Modeling of protein sequence and biophysical properties (such as structural, functional, and spatial information, amino acid conservation, physicochemical variation, residue mobility, and thermodynamic stability) indicates that this missense variant is expected to disrupt ADA2 protein function with a positive predictive value of 95%. In summary, the available evidence is currently insufficient to determine the role of this variant in disease. Therefore, it has been classified as a Variant of Uncertain Significance.